The following is an entry in ClinVar:

ClinVar aggregate classification (germline): Likely pathogenic (1 of 4 stars; one submission).

Submission:

GeneDx
Classification: Likely pathogenic. Last evaluated: 2025-05-02. Review status: criteria provided, single submitter. Criteria: GeneDx Variant Classification Process June 2021. Collection method: clinical testing. Allele origin: germline. Affected: yes.
Comment: Alters the last nucleotide of the exon and is predicted to destroy the splice donor site and result in aberrant splicing, although in the absence of functional evidence the actual effect of this sequence change is unknown; Not observed at significant frequency in large population cohorts (gnomAD); This variant is associated with the following publications: (PMID: 25678763)

NM_001368894.2(PAX6):c.141G>A (p.Gln47=)

Gene: PAX6 (paired box 6; minus strand). Cytogenetic location: 11p13.
Variant type: single nucleotide variant.
Coding change: c.141G>A on transcript NM_001368894.2 (MANE Select); coding-DNA position 141, G replaced by A.
Protein change: p.Gln47=; no amino-acid change (glutamine 47 retained).
Molecular consequence: synonymous variant. On other transcripts: 5 prime UTR variant (12), non-coding transcript variant (2), intron variant (2).
Genome position (GRCh38, 1-based): chr11:31,802,704, C>T on the plus strand (G>A on the coding strand, the complement: PAX6 is on the minus strand). VCF-style: chr11-31802704-C-T. GRCh37 (hg19) VCF-style: chr11-31824252-C-T.
Other names: c.141G>A, p.Gln47= (NM_001258465.3, NM_001310158.2, NM_001310159.1 and 30 more transcripts); c.-641G>A (NM_001310160.2, NM_001368905.2); c.-310G>A (NM_001310161.3, NM_001368900.2, NM_001368903.2 and 2 more transcripts); c.-268G>A (NM_001368899.2, NM_001368901.2, NM_001368906.2 and 1 more transcripts); c.-599G>A (NM_001368902.2); c.384G>A, p.Gln128= (NM_001368910.2); c.144G>A, p.Gln48= (NM_001368911.2); c.-267-928G>A (NM_001368909.2, NM_001368904.2).
Identifiers: ClinVar variation 4528317 (VCV004528317.1).